The following is an entry in ClinVar:

NM_052867.4(NALCN):c.3479A>G (p.Asn1160Ser)

Gene: NALCN (sodium leak channel, non-selective; minus strand). Cytogenetic location: 13q32.3.
Variant type: single nucleotide variant.
Coding change: c.3479A>G on transcript NM_052867.4 (MANE Select); coding-DNA position 3479, A replaced by G.
Protein change: p.Asn1160Ser; replaces asparagine 1160 with serine.
Molecular consequence: missense variant.
Genome position (GRCh38, 1-based): chr13:101,089,673, T>C on the plus strand (A>G on the coding strand, the complement: NALCN is on the minus strand). VCF-style: chr13-101089673-T-C. GRCh37 (hg19) VCF-style: chr13-101742024-T-C.
Other names: c.3479A>G (NM_052867.2); c.3566A>G, p.Asn1189Ser (NM_001350748.2); c.3479A>G, p.Asn1160Ser (NM_001350749.2); c.3392A>G, p.Asn1131Ser (NM_001350750.2, NM_001350751.2); short protein forms N1160S, N1189S, N1131S.
Identifiers: ClinVar variation 2788132 (VCV002788132.5), dbSNP rs2502040772, ClinGen allele CA388652529.

ClinVar aggregate classification (germline): Uncertain significance. Review status: criteria provided, multiple submitters, no conflicts (2 of 4 stars). 3 submissions from 3 submitters: Uncertain significance (3). Last evaluated 2025-10-24.

Conditions:
Inborn genetic diseases. Identifiers: MedGen C0950123, MeSH D030342.

Submissions (3):

Labcorp Genetics (formerly Invitae), Labcorp
Classification: Uncertain significance. Last evaluated: 2025-10-24. Review status: criteria provided, single submitter. Criteria: Invitae Variant Classification Sherloc (09022015). Collection method: clinical testing. Allele origin: germline.
Comment: This sequence change replaces asparagine, which is neutral and polar, with serine, which is neutral and polar, at codon 1160 of the NALCN protein (p.Asn1160Ser). This variant is not present in population databases (gnomAD no frequency). This variant has not been reported in the literature in individuals affected with NALCN-related conditions. ClinVar contains an entry for this variant (Variation ID: 2788132). Invitae Evidence Modeling of protein sequence and biophysical properties (such as structural, functional, and spatial information, amino acid conservation, physicochemical variation, residue mobility, and thermodynamic stability) indicates that this missense variant is not expected to disrupt NALCN protein function with a negative predictive value of 80%. In summary, the available evidence is currently insufficient to determine the role of this variant in disease. Therefore, it has been classified as a Variant of Uncertain Significance.

Ambry Genetics
Classification: Uncertain significance for Inborn genetic diseases. Last evaluated: 2025-08-06. Review status: criteria provided, single submitter. Criteria: Ambry Variant Classification Scheme 2023. Collection method: clinical testing. Allele origin: germline.

Women's Health and Genetics/Laboratory Corporation of America, LabCorp
Classification: Uncertain significance. Last evaluated: 2025-05-20. Review status: criteria provided, single submitter. Criteria: LabCorp Variant Classification Summary - May 2015. Collection method: clinical testing. Allele origin: germline.
Comment: Variant summary: NALCN c.3479A>G (p.Asn1160Ser) results in a conservative amino acid change in the encoded protein sequence. Algorithms developed to predict the effect of missense changes on protein structure and function are either unavailable or do not agree on the potential impact of this missense change. The variant was absent in 250968 control chromosomes. The available data on variant occurrences in the general population are insufficient to allow any conclusion about variant significance. To our knowledge, no occurrence of c.3479A>G in individuals affected with Congenital Contractures Of The Limbs And Face, Hypotonia, And Developmental Delay and no experimental evidence demonstrating its impact on protein function have been reported. ClinVar contains an entry for this variant (Variation ID: 2788132). Based on the evidence outlined above, the variant was classified as uncertain significance.